The following is an entry in ClinVar:

NM_018136.5(ASPM):c.5929A>T (p.Ile1977Leu)

Gene: ASPM (assembly factor for spindle microtubules; minus strand). Cytogenetic location: 1q31.3.
Variant type: single nucleotide variant.
Coding change: c.5929A>T on transcript NM_018136.5 (MANE Select); coding-DNA position 5929, A replaced by T.
Protein change: p.Ile1977Leu; replaces isoleucine 1977 with leucine.
Molecular consequence: missense variant. On other transcripts: intron variant (1).
Genome position (GRCh38, 1-based): chr1:197,103,322, T>A on the plus strand (A>T on the coding strand, the complement: ASPM is on the minus strand). VCF-style: chr1-197103322-T-A. GRCh37 (hg19) VCF-style: chr1-197072452-T-A.
Other names: c.4066-7158A>T (NM_001206846.2); short protein forms I1977L.
Identifiers: ClinVar variation 2075532 (VCV002075532.6), dbSNP rs371985944, ClinGen allele CA1309665.

ClinVar aggregate classification (germline): Uncertain significance. Review status: criteria provided, multiple submitters, no conflicts (2 of 4 stars). 3 submissions from 3 submitters: Uncertain significance (3). Last evaluated 2025-03-19.

Conditions:
Microcephaly 5, primary, autosomal recessive (MCPH5). Also called: ASPM Primary Microcephaly. Identifiers: Orphanet 2512, MedGen C1837501, MONDO:0012106, OMIM 608716.
Inborn genetic diseases. Identifiers: MedGen C0950123, MeSH D030342.

Allele frequency attached by ClinVar (database versions not stated): ESP Exome Variant Server 0.00008; gnomAD exomes 0.00009; ExAC 0.00002; TOPMed 0.00002; gnomAD 0.00003.
gnomAD v4.1: 133 of 1,613,100 alleles (0.0082%); highest among the groups gnomAD compares: Non-Finnish European, 0.011%; no homozygotes.

Submissions (3):

Labcorp Genetics (formerly Invitae), Labcorp
Classification: Uncertain significance. Last evaluated: 2025-03-19. Review status: criteria provided, single submitter. Criteria: Invitae Variant Classification Sherloc (09022015). Collection method: clinical testing. Allele origin: germline.
Comment: This sequence change replaces isoleucine, which is neutral and non-polar, with leucine, which is neutral and non-polar, at codon 1977 of the ASPM protein (p.Ile1977Leu). This variant is present in population databases (rs371985944, gnomAD 0.01%). This variant has not been reported in the literature in individuals affected with ASPM-related conditions. ClinVar contains an entry for this variant (Variation ID: 2075532). Invitae Evidence Modeling of protein sequence and biophysical properties (such as structural, functional, and spatial information, amino acid conservation, physicochemical variation, residue mobility, and thermodynamic stability) indicates that this missense variant is not expected to disrupt ASPM protein function with a negative predictive value of 80%. In summary, the available evidence is currently insufficient to determine the role of this variant in disease. Therefore, it has been classified as a Variant of Uncertain Significance.

Genome-Nilou Lab
Classification: Uncertain significance for Microcephaly 5, primary, autosomal recessive. Last evaluated: 2023-04-11. Review status: criteria provided, single submitter. Criteria: ACMG Guidelines, 2015. Collection method: clinical testing. Allele origin: germline. Affected: no.

Ambry Genetics
Classification: Uncertain significance for Inborn genetic diseases. Last evaluated: 2022-11-08. Review status: criteria provided, single submitter. Criteria: Ambry Variant Classification Scheme 2023. Collection method: clinical testing. Allele origin: germline.